The following is an entry in ClinVar:

NM_006440.5(TXNRD2):c.903C>A (p.Thr301=)

Gene: TXNRD2 (thioredoxin reductase 2; minus strand). Cytogenetic location: 22q11.21.
Variant type: single nucleotide variant.
Coding change: c.903C>A on transcript NM_006440.5 (MANE Select); coding-DNA position 903, C replaced by A.
Protein change: p.Thr301=; no amino-acid change (threonine 301 retained).
Molecular consequence: synonymous variant. On other transcripts: non-coding transcript variant (1).
Genome position (GRCh38, 1-based): chr22:19,895,453, G>T on the plus strand (C>A on the coding strand, the complement: TXNRD2 is on the minus strand). VCF-style: chr22-19895453-G-T. GRCh37 (hg19) VCF-style: chr22-19882976-G-T.
Other names: c.903C>A, p.Thr301= (NM_001282512.3); c.900C>A, p.Thr300= (NM_001352300.2); c.813C>A, p.Thr271= (NM_001352301.2); c.615C>A, p.Thr205= (NM_001352302.2); c.807C>A, p.Thr269= (NM_001352303.2).
Identifiers: ClinVar variation 240657 (VCV000240657.20), dbSNP rs35695986, ClinGen allele CA10103950.

ClinVar aggregate classification (germline): Benign. Review status: criteria provided, multiple submitters, no conflicts (2 of 4 stars). 5 submissions from 5 submitters: Benign (4). 1 of the submissions does not count toward it. Last evaluated 2026-02-02.

Conditions:
Cardiovascular phenotype. Identifiers: MedGen CN230736.
TXNRD2-related disorder. Also called: TXNRD2-related condition.
Primary dilated cardiomyopathy (DCM). Also called: Dilated Cardiomyopathy. Identifiers: Orphanet 217604, MedGen C0007193, MeSH D002311, MONDO:0005021, HP:0001644. Inheritance: Various modes of inheritance.

Allele frequency attached by ClinVar (database versions not stated): ESP Exome Variant Server 0.01160; 1000 Genomes Project 0.01238; TOPMed 0.01247; 1000 Genomes Project 30x 0.01265.
gnomAD v4.1: 3,807 of 1,613,934 alleles (0.24%); highest among the groups gnomAD compares: African/African-American, 4%; 59 homozygotes.

Submissions (19):

Labcorp Genetics (formerly Invitae), Labcorp
Classification: Benign for Primary dilated cardiomyopathy. Last evaluated: 2026-02-02. Review status: criteria provided, single submitter. Criteria: Invitae Variant Classification Sherloc (09022015). Collection method: clinical testing. Allele origin: germline.

GeneDx
Classification: Benign. Last evaluated: 2017-08-14. Review status: criteria provided, single submitter. Criteria: GeneDx Variant Classification (06012015). Collection method: clinical testing. Allele origin: germline. Affected: yes.
Comment: This variant is considered likely benign or benign based on one or more of the following criteria: it is a conservative change, it occurs at a poorly conserved position in the protein, it is predicted to be benign by multiple in silico algorithms, and/or has population frequency not consistent with disease.

Ambry Genetics
Classification: Benign for Cardiovascular phenotype. Last evaluated: 2015-08-26. Review status: criteria provided, single submitter. Criteria: Ambry Variant Classification Scheme 2023. Collection method: clinical testing. Allele origin: germline.

Breakthrough Genomics
Classification: Benign. Review status: criteria provided, single submitter. Criteria: ACMG Guidelines, 2015. Collection method: not provided. Allele origin: germline. Inheritance: Autosomal recessive inheritance. Affected: yes.

PreventionGenetics, part of Exact Sciences
Classification: Benign for TXNRD2-related condition. Last evaluated: 2019-07-13. Review status: no assertion criteria provided. Collection method: clinical testing. Allele origin: germline. Not counted in ClinVar's aggregate classification.
Comment: This variant is classified as benign based on ACMG/AMP sequence variant interpretation guidelines (Richards et al. 2015 PMID: 25741868, with internal and published modifications).

Dr. Peter K. Rogan Lab, Western University
No classification provided (evidence only). Condition: Acute myeloid leukemia. Review status: no classification provided. Collection method: in vitro. Allele origin: not applicable. Functional consequence: retained intron. Not counted in ClinVar's aggregate classification.

Dr. Peter K. Rogan Lab, Western University
No classification provided (evidence only). Condition: Acute myeloid leukemia. Review status: no classification provided. Collection method: in vitro. Allele origin: not applicable. Functional consequence: retained intron. Not counted in ClinVar's aggregate classification.

Dr. Peter K. Rogan Lab, Western University
No classification provided (evidence only). Condition: Colon adenocarcinoma. Review status: no classification provided. Collection method: in vitro. Allele origin: not applicable. Functional consequence: retained intron. Not counted in ClinVar's aggregate classification.

Dr. Peter K. Rogan Lab, Western University
No classification provided (evidence only). Condition: Thyroid cancer, nonmedullary, 1. Review status: no classification provided. Collection method: in vitro. Allele origin: not applicable. Functional consequence: retained intron. Not counted in ClinVar's aggregate classification.

Dr. Peter K. Rogan Lab, Western University
No classification provided (evidence only). Condition: Uterine corpus endometrial carcinoma. Review status: no classification provided. Collection method: in vitro. Allele origin: not applicable. Functional consequence: retained intron. Not counted in ClinVar's aggregate classification.

Dr. Peter K. Rogan Lab, Western University
No classification provided (evidence only). Condition: Uterine corpus endometrial carcinoma. Review status: no classification provided. Collection method: in vitro. Allele origin: not applicable. Functional consequence: retained intron. Not counted in ClinVar's aggregate classification.

Dr. Peter K. Rogan Lab, Western University
No classification provided (evidence only). Condition: Uterine corpus endometrial carcinoma. Review status: no classification provided. Collection method: in vitro. Allele origin: not applicable. Functional consequence: retained intron. Not counted in ClinVar's aggregate classification.

Dr. Peter K. Rogan Lab, Western University
No classification provided (evidence only). Condition: Uterine corpus endometrial carcinoma. Review status: no classification provided. Collection method: in vitro. Allele origin: not applicable. Functional consequence: retained intron. Not counted in ClinVar's aggregate classification.

Dr. Peter K. Rogan Lab, Western University
No classification provided (evidence only). Condition: Uterine corpus endometrial carcinoma. Review status: no classification provided. Collection method: in vitro. Allele origin: not applicable. Functional consequence: retained intron. Not counted in ClinVar's aggregate classification.

Dr. Peter K. Rogan Lab, Western University
No classification provided (evidence only). Condition: Sarcoma. Review status: no classification provided. Collection method: in vitro. Allele origin: not applicable. Functional consequence: retained intron. Not counted in ClinVar's aggregate classification.

Dr. Peter K. Rogan Lab, Western University
No classification provided (evidence only). Condition: Thymoma. Review status: no classification provided. Collection method: in vitro. Allele origin: not applicable. Functional consequence: retained intron. Not counted in ClinVar's aggregate classification.

Dr. Peter K. Rogan Lab, Western University
No classification provided (evidence only). Condition: Gastric cancer. Review status: no classification provided. Collection method: in vitro. Allele origin: not applicable. Functional consequence: retained intron. Not counted in ClinVar's aggregate classification.

Dr. Peter K. Rogan Lab, Western University
No classification provided (evidence only). Condition: Malignant tumor of esophagus. Review status: no classification provided. Collection method: in vitro. Allele origin: not applicable. Functional consequence: retained intron. Not counted in ClinVar's aggregate classification.

Dr. Peter K. Rogan Lab, Western University
No classification provided (evidence only). Condition: Malignant tumor of esophagus. Review status: no classification provided. Collection method: in vitro. Allele origin: not applicable. Functional consequence: retained intron. Not counted in ClinVar's aggregate classification.